The following is an entry in ClinVar:

ClinVar aggregate classification (germline): Uncertain significance (1 of 4 stars; one submission).

Conditions:
Hereditary cancer-predisposing syndrome. Also called: Tumor predisposition; Neoplastic Syndromes, Hereditary; Hereditary neoplastic syndrome; Hereditary Cancer Syndrome. Identifiers: Orphanet 140162, MedGen C0027672, MeSH D009386, MONDO:0015356.

gnomAD v4.1: 1 of 1,613,690 alleles (0.000062%); no homozygotes.

Submission:

Color Diagnostics, LLC DBA Color Health
Classification: Uncertain significance for Hereditary cancer-predisposing syndrome. Last evaluated: 2019-08-26. Review status: criteria provided, single submitter. Criteria: ACMG Guidelines, 2015. Collection method: clinical testing. Allele origin: germline.
Comment: This variant is located in the 3' untranslated region of the CDKN2A gene (P16-INK4A). Splice site prediction tools suggest that this variant may not impact RNA splicing. To our knowledge, functional studies have not been performed for this variant. This variant has not been reported in individuals affected with hereditary cancer in the literature. This variant has not been identified in the general population by the Genome Aggregation Database (gnomAD). The available evidence is insufficient to determine the role of this variant in disease conclusively. Therefore, this variant is classified as a Variant of Uncertain Significance.

NM_000077.5(CDKN2A):c.*13G>A

Gene: CDKN2A (cyclin dependent kinase inhibitor 2A; minus strand). Cytogenetic location: 9p21.3.
Variant type: single nucleotide variant.
Coding change: c.*13G>A on transcript NM_000077.5; 13 bases downstream of the stop codon, G replaced by A.
Molecular consequence: 3 prime UTR variant (on NM_001195132.2).
Genome position (GRCh38, 1-based): chr9:21,968,216, C>T on the plus strand (G>A on the coding strand, the complement: CDKN2A is on the minus strand). VCF-style: chr9-21968216-C-T. GRCh37 (hg19) VCF-style: chr9-21968215-C-T.
Other names: c.*13G>A (NM_000077.6, NM_001363763.2); c.*177G>A (NM_001195132.2); c.*128G>A (NM_058195.4); c.*407G>A (NM_058197.5).
Identifiers: ClinVar variation 926621 (VCV000926621.3), dbSNP rs374668781, ClinGen allele CA373085025.